The following is an entry in ClinVar:

ClinVar aggregate classification (germline): Benign. Review status: criteria provided, multiple submitters, no conflicts (2 of 4 stars). 2 submissions from 2 submitters: Benign (2). Last evaluated 2018-06-28.

Conditions:
Congenital Muscular Dystrophy, alpha-dystroglycan related.

Allele frequency attached by ClinVar (database versions not stated): gnomAD exomes 0.00331; gnomAD 0.03805 and 0.04055; TOPMed 0.04231; 1000 Genomes Project 0.04513; 1000 Genomes Project 30x 0.04653.
gnomAD v4.1: 5,896 of 198,820 alleles (3%); highest among the groups gnomAD compares: African/African-American, 13%; 359 homozygotes.

Submissions (2):

GeneDx
Classification: Benign. Last evaluated: 2018-06-28. Review status: criteria provided, single submitter. Criteria: GeneDx Variant Classification Process June 2021. Collection method: clinical testing. Allele origin: germline. Affected: yes.

Illumina Laboratory Services, Illumina
Classification: Benign for Congenital Muscular Dystrophy, alpha-dystroglycan related. Last evaluated: 2018-01-13. Review status: criteria provided, single submitter. Criteria: ICSL Variant Classification Criteria 13 December 2019. Collection method: clinical testing. Allele origin: germline.
Comment: This variant was observed in the ICSL laboratory as part of a predisposition screen in an ostensibly healthy population. It had not been previously curated by ICSL or reported in the Human Gene Mutation Database (HGMD: prior to June 1st, 2018), and was therefore a candidate for classification through an automated scoring system. Utilizing variant allele frequency, disease prevalence and penetrance estimates, and inheritance mode, an automated score was calculated to assess if this variant is too frequent to cause the disease. Based on the score and internal cut-off values, a variant classified as benign is not then subjected to further curation. The score for this variant resulted in a classification of benign for this disease.

NM_001101426.4(CRPPA):c.*321A>G

Gene: CRPPA (CDP-L-ribitol pyrophosphorylase A; minus strand). Cytogenetic location: 7p21.2.
Variant type: single nucleotide variant.
Coding change: c.*321A>G on transcript NM_001101426.4 (MANE Select); 321 bases downstream of the stop codon, A replaced by G.
Molecular consequence: 3 prime UTR variant. On other transcripts: non-coding transcript variant (1).
Genome position (GRCh38, 1-based): chr7:16,091,374, T>C on the plus strand (A>G on the coding strand, the complement: CRPPA is on the minus strand). VCF-style: chr7-16091374-T-C. GRCh37 (hg19) VCF-style: chr7-16130999-T-C.
Other names: c.*321A>G (NM_001101417.4, NM_001368197.1).
Identifiers: ClinVar variation 359576 (VCV000359576.7), dbSNP rs7788119, ClinGen allele CA10628798.
Genomic context (GRCh38, chr7:16,091,374, plus strand): 5'-AGTGTAAATTATTAATTAACAGTTAGGATAATAACTGAAGTTTTCTAAATTCTCATTCCT[T>C]GAAAGAATAGCTCACCCCATCATTATTTCTATTTGACCGTTCATGTCTCTGTGGAAAGAT-3'